The following is an entry in ClinVar:

NM_000214.3(JAG1):c.224T>A (p.Phe75Tyr)

Gene: JAG1 (jagged canonical Notch ligand 1; minus strand). Cytogenetic location: 20p12.2.
Variant type: single nucleotide variant.
Coding change: c.224T>A on transcript NM_000214.3 (MANE Select); coding-DNA position 224, T replaced by A.
Protein change: p.Phe75Tyr; replaces phenylalanine 75 with tyrosine.
Molecular consequence: missense variant.
Genome position (GRCh38, 1-based): chr20:10,672,864, A>T on the plus strand (T>A on the coding strand, the complement: JAG1 is on the minus strand). VCF-style: chr20-10672864-A-T. GRCh37 (hg19) VCF-style: chr20-10653512-A-T.
Other names: short protein forms F75Y.
Identifiers: ClinVar variation 3573259 (VCV003573259.2).

Conditions:
Arteriohepatic dysplasia. Also called: Alagille Syndrome. Identifiers: Orphanet 52, MedGen C0085280, MeSH D016738, MONDO:0007318.

Submission:

Gilbert/Spinner Lab, Children's Hospital of Philadelphia
No classification provided (evidence only). Condition: Alagille syndrome. Review status: no classification provided. Collection method: research. Allele origin: not applicable. Functional consequence: functionally_abnormal.
ClinVar note: "not provided" was previously submitted as the classification for the variant. However, the classification appeared to be based only on an observation of functional data so it was converted to no classification on 2025-07-30.